The following is an entry in ClinVar:

ClinVar aggregate classification (germline): Uncertain significance (1 of 4 stars; one submission).

Submission:

Ambry Genetics
Classification: Uncertain significance. Last evaluated: 2025-09-10. Review status: criteria provided, single submitter. Criteria: Ambry Variant Classification Scheme 2023. Collection method: clinical testing. Allele origin: germline.
Comment: The p.L167R variant (also known as c.500T>G), located in coding exon 3 of the GFI1 gene, results from a T to G substitution at nucleotide position 500. The leucine at codon 167 is replaced by arginine, an amino acid with dissimilar properties. This amino acid position is conserved. In addition, this alteration is predicted to be tolerated by in silico analysis. Based on the available evidence, the clinical significance of this variant remains unclear.

NM_005263.5(GFI1):c.500T>G (p.Leu167Arg)

Gene: GFI1 (growth factor independent 1 transcriptional repressor; minus strand). Cytogenetic location: 1p22.1.
Variant type: single nucleotide variant.
Coding change: c.500T>G on transcript NM_005263.5 (MANE Select); coding-DNA position 500, T replaced by G.
Protein change: p.Leu167Arg; replaces leucine 167 with arginine.
Molecular consequence: missense variant.
Genome position (GRCh38, 1-based): chr1:92,480,887, A>C on the plus strand (T>G on the coding strand, the complement: GFI1 is on the minus strand). VCF-style: chr1-92480887-A-C. GRCh37 (hg19) VCF-style: chr1-92946444-A-C.
Other names: c.500T>G, p.Leu167Arg (NM_001127215.3, NM_001127216.3); short protein forms L167R.
Identifiers: ClinVar variation 4263253 (VCV004263253.1).